The following is an entry in ClinVar:

NM_000353.3(TAT):c.1090_1106del (p.Arg364fs)

Genes: TAT (tyrosine aminotransferase; minus strand), TAT-AS1 (TAT antisense RNA 1; plus strand). Cytogenetic location: 16q22.2.
Variant type: Deletion.
Coding change: c.1090_1106del on transcript NM_000353.3 (MANE Select); coding-DNA positions 1090 to 1106, 17 bases deleted (CGGCCAGTCCGCCCTTC).
Protein change: p.Arg364fs; shifts the reading frame from arginine 364.
Molecular consequence: frameshift variant.
Genome position (GRCh38, 1-based): chr16:71,569,873-71,569,889, GAAGGGCGGACTGGCCG deleted on the plus strand (CGGCCAGTCCGCCCTTC on the coding strand, the reverse complement: TAT is on the minus strand); deleting any 17 consecutive bases within chr16:71,569,873-71,569,891 gives the same sequence; the c. name uses the placement nearest the transcript's 3' end. VCF-style (leftmost placement, unchanged base first): chr16-71569872-AGAAGGGCGGACTGGCCG-A. GRCh37 (hg19) VCF-style: chr16-71603775-AGAAGGGCGGACTGGCCG-A.
Other names: short protein forms R364fs.
Identifiers: ClinVar variation 5015866 (VCV005015866.1).

ClinVar aggregate classification (germline): Pathogenic (1 of 4 stars; one submission).

Conditions:
Tyrosinemia type II (TYRSN2). Also called: KERATOSIS PALMOPLANTARIS WITH CORNEAL DYSTROPHY; OREGON TYPE TYROSINEMIA; TAT DEFICIENCY; TYROSINE AMINOTRANSFERASE DEFICIENCY; TYROSINE TRANSAMINASE DEFICIENCY. Identifiers: Orphanet 28378, MedGen C0268487, MONDO:0010160, OMIM 276600.

Submission:

Myriad Genetics, Inc.
Classification: Pathogenic for Tyrosinemia type II. Last evaluated: 2026-05-03. Review status: criteria provided, single submitter. Criteria: Myriad Autosomal Dominant, Autosomal Recessive and X-Linked Classification Criteria (2023). Collection method: clinical testing. Allele origin: unknown.
Comment: NM_000353.2(TAT):c.1090_1106del17(R364Wfs*10) is expected to be pathogenic in the context of tyrosinemia type II. This variant is predicted to lead to an abnormal or absent protein product due to the creation of a premature termination codon in TAT, a gene where loss-of-function variants are known to be pathogenic. Please note: this variant was assessed in the context of healthy population screening.